The following is an entry in ClinVar:

NM_020166.5(MCCC1):c.208A>G (p.Lys70Glu)

Gene: MCCC1 (methylcrotonyl-CoA carboxylase subunit 1; minus strand). Cytogenetic location: 3q27.1.
Variant type: single nucleotide variant.
Coding change: c.208A>G on transcript NM_020166.5 (MANE Select); coding-DNA position 208, A replaced by G.
Protein change: p.Lys70Glu; replaces lysine 70 with glutamic acid.
Molecular consequence: missense variant. On other transcripts: non-coding transcript variant (1), intron variant (2).
Genome position (GRCh38, 1-based): chr3:183,092,474, T>C on the plus strand (A>G on the coding strand, the complement: MCCC1 is on the minus strand). VCF-style: chr3-183092474-T-C. GRCh37 (hg19) VCF-style: chr3-182810262-T-C.
Other names: c.-55+2085A>G (NM_001363880.1); c.44+2085A>G (NM_001293273.2); short protein forms K70E.
Identifiers: ClinVar variation 989684 (VCV000989684.7), dbSNP rs750133436, ClinGen allele CA2719167.

ClinVar aggregate classification (germline): Uncertain significance. Review status: criteria provided, single submitter (1 of 4 stars). 2 submissions from 2 submitters: Uncertain significance (1). 1 of the submissions does not count toward it. Last evaluated 2021-08-28.

Conditions:
Methylcrotonyl-CoA carboxylase deficiency. Also called: 3 Methylcrotonylglycinuria; 3-MCC Deficiency; Deficiency of methylcrotonoyl-CoA carboxylase. Identifiers: Orphanet 6, MedGen C4551505, MONDO:0018950.
3-methylcrotonyl-CoA carboxylase 1 deficiency (MCC1D). Also called: MCC 1 deficiency; 3 Alpha methylcrotonylglycinuria 1; MCCD TYPE 1; METHYLCROTONYLGLYCINURIA TYPE I. Identifiers: Orphanet 6, MedGen CN028786, MONDO:0008861, OMIM 210200.

Allele frequency attached by ClinVar (database versions not stated): ExAC 0.00001; gnomAD exomes 0.00001.
gnomAD v4.1: 16 of 1,614,218 alleles (0.00099%); highest among the groups gnomAD compares: South Asian, 0.018%; no homozygotes.

Submissions (2):

Labcorp Genetics (formerly Invitae), Labcorp
Classification: Uncertain significance for 3-methylcrotonyl-CoA carboxylase 1 deficiency. Last evaluated: 2021-08-28. Review status: criteria provided, single submitter. Criteria: Invitae Variant Classification Sherloc (09022015). Collection method: clinical testing. Allele origin: germline.
Comment: This sequence change replaces lysine with glutamic acid at codon 70 of the MCCC1 protein (p.Lys70Glu). The lysine residue is highly conserved and there is a small physicochemical difference between lysine and glutamic acid. This variant is present in population databases (rs750133436, ExAC 0.006%). This variant has not been reported in the literature in individuals affected with MCCC1-related conditions. ClinVar contains an entry for this variant (Variation ID: 989684). Algorithms developed to predict the effect of missense changes on protein structure and function are either unavailable or do not agree on the potential impact of this missense change (SIFT: "Deleterious"; PolyPhen-2: "Benign"; Align-GVGD: "Class C55"). In summary, the available evidence is currently insufficient to determine the role of this variant in disease. Therefore, it has been classified as a Variant of Uncertain Significance.

Natera, Inc.
Classification: Uncertain significance for 3-methylcrotonylglycinuria. Last evaluated: 2020-08-30. Review status: no assertion criteria provided. Collection method: clinical testing. Allele origin: germline. Not counted in ClinVar's aggregate classification.